The following is an entry in ClinVar:

ClinVar aggregate classification (germline): Conflicting classifications of pathogenicity. Review status: criteria provided, conflicting classifications (1 of 4 stars). 4 submissions from 4 submitters: Uncertain significance (3); Likely benign (1). Last evaluated 2026-01-28.

Conditions:
Mitochondrial DNA depletion syndrome 13. Also called: Mitochondrial DNA depletion syndrome 13 (encephalomyopathic type); FBXL4-Related Encephalomyopathic Mitochondrial DNA Depletion Syndrome. Identifiers: Orphanet 369897, MedGen C3809592, MONDO:0014198, OMIM 615471.

Allele frequency attached by ClinVar (database versions not stated): TOPMed 0.00018; ESP Exome Variant Server 0.00031.
gnomAD v4.1: 275 of 1,613,940 alleles (0.017%); highest among the groups gnomAD compares: Non-Finnish European, 0.022%; no homozygotes.

Submissions (4):

Labcorp Genetics (formerly Invitae), Labcorp
Classification: Likely benign. Last evaluated: 2026-01-28. Review status: criteria provided, single submitter. Criteria: Invitae Variant Classification Sherloc (09022015). Collection method: clinical testing. Allele origin: germline.

Blueprint Genetics
Classification: Uncertain significance. Last evaluated: 2023-05-29. Review status: criteria provided, single submitter. Criteria: ACMG Guidelines, 2015. Collection method: clinical testing. Allele origin: germline.

Baylor Genetics
Classification: Uncertain significance for Mitochondrial DNA depletion syndrome 13. Last evaluated: 2018-12-01. Review status: criteria provided, single submitter. Criteria: ACMG Guidelines, 2015. Collection method: clinical testing. Allele origin: unknown. Affected: yes.
Comment: This variant was determined to be of uncertain significance according to ACMG Guidelines, 2015 [PMID:25741868].

Wong Mito Lab, Molecular and Human Genetics, Baylor College of Medicine
Classification: Uncertain significance for Mitochondrial DNA depletion syndrome 13. Last evaluated: 2017-08-10. Review status: criteria provided, single submitter. Criteria: ACMG Guidelines, 2015. Collection method: reference population. Allele origin: germline.
Comment: The NM_012160.4:c.747T>A (NP_036292.2:p.Asp249Glu) [GRCH38: NC_000006.12:g.98917485A>T] variant in FBXL4 gene is interpretated to be a Uncertain Significance - Conflicting Evidence based on ACMG guidelines (PMID: 25741868). This variant meets one or more of the following evidence codes reported in the ACMG-guideline. PM2:This variant is absent in key population databases. BP4:Computational evidence/predictors indicate no impact on the FBXL4 structure, function, or protein-protein interaction. Based on this evidence code ClinGen Pathogenicity Calculator (PMID:28081714) suggested that the variant is Uncertain Significance - Conflicting Evidence.

NM_001278716.2(FBXL4):c.747T>A (p.Asp249Glu)

Gene: FBXL4 (F-box and leucine rich repeat protein 4; minus strand). Cytogenetic location: 6q16.2.
Variant type: single nucleotide variant.
Coding change: c.747T>A on transcript NM_001278716.2 (MANE Select); coding-DNA position 747, T replaced by A.
Protein change: p.Asp249Glu; replaces aspartic acid 249 with glutamic acid.
Molecular consequence: missense variant.
Genome position (GRCh38, 1-based): chr6:98,917,485, A>T on the plus strand (T>A on the coding strand, the complement: FBXL4 is on the minus strand). VCF-style: chr6-98917485-A-T. GRCh37 (hg19) VCF-style: chr6-99365361-A-T.
Other names: c.747T>A, p.Asp249Glu (NM_012160.5); short protein forms D249E.
Identifiers: ClinVar variation 437628 (VCV000437628.10), dbSNP rs138206466, ClinGen allele CA3933623.